The following is an entry in ClinVar:

ClinVar aggregate classification (germline): Pathogenic/Likely pathogenic. Review status: criteria provided, multiple submitters, no conflicts (2 of 4 stars). 7 submissions from 7 submitters: Pathogenic (3); Likely pathogenic (2). 2 of the submissions do not count toward it. Last evaluated 2025-01-14.

Conditions:
Cystic fibrosis (CF). Also called: MUCOVISCIDOSIS. Identifiers: Orphanet 586, MedGen C0010674, MONDO:0009061, OMIM 219700. Disease mechanism: loss of function.

Allele frequency attached by ClinVar (database versions not stated): TOPMed below 0.00001; gnomAD 0.00001.
gnomAD v4.1: 1 of 152,080 alleles (0.00066%); no homozygotes.

Submissions (7):

Revvity Omics, Revvity
Classification: Likely pathogenic. Last evaluated: 2025-01-14. Review status: criteria provided, single submitter. Criteria: ACMG Guidelines, 2015. Collection method: clinical testing. Allele origin: germline.

Labcorp Genetics (formerly Invitae), Labcorp
Classification: Pathogenic for Cystic fibrosis. Last evaluated: 2024-12-08. Review status: criteria provided, single submitter. Criteria: Invitae Variant Classification Sherloc (09022015). Collection method: clinical testing. Allele origin: germline.
Comment: This sequence change falls in intron 11 of the CFTR gene. It does not directly change the encoded amino acid sequence of the CFTR protein. This variant is not present in population databases (gnomAD no frequency). This variant has been observed in individuals with cystic fibrosis (PMID: 20875776, 23349053). ClinVar contains an entry for this variant (Variation ID: 53284). Algorithms developed to predict the effect of sequence changes on RNA splicing suggest that this variant may create or strengthen a splice site. For these reasons, this variant has been classified as Pathogenic.

Johns Hopkins Genomics, Johns Hopkins University
Classification: Likely pathogenic for Cystic fibrosis. Last evaluated: 2023-03-10. Review status: criteria provided, single submitter. Criteria: ACMG Guidelines, 2015. Collection method: clinical testing. Allele origin: germline.
Comment: This intronic CFTR variant has been identified in multiple individuals with features of cystic fibrosis who carry a second CF-causing variant. This variant (rs397508229) is rare (<0.1%) in a large population dataset (gnomAD: 1/152080 total alleles; 0.0006575%; no homozygotes) and has been reported in ClinVar (Variation ID: 53284). Functional studies demonstrate that this deep intronic variant creates a cryptic splice donor site that leads to aberrant splicing. We consider CFTR c.1585-9412A>G to be likely pathogenic.

Ambry Genetics
Classification: Pathogenic for Cystic fibrosis. Last evaluated: 2018-10-26. Review status: criteria provided, single submitter. Criteria: Ambry Variant Classification Scheme 2023. Collection method: clinical testing. Allele origin: germline.
Comment: The c.1585-9412A>G intronic pathogenic mutation results from an A to G substitution 9412 nucleotides upstream from coding exon 12 in the CFTR gene. This mutation (reported as c.1584+18672A>G) has been detected in multiple individuals affected with cystic fibrosis who have a pathogenic mutation on the other chromosome (Costantino L et al. Am. J. Respir. Cell Mol. Biol., 2013 May;48:619-25). In addition, this mutation has been shown to activate two out-of-frame pseudoexons (104 and 65 base pairs) by creating a splice donor site (Costantino L et al. J. Cyst. Fibros., 2010 Dec;9:411-8; Costantino L et al. Am. J. Respir. Cell Mol. Biol., 2013 May;48:619-25; Fel&iacute;cio V et al. Clin. Genet., 2017 03;91:476-481). Based on the supporting evidence, this alteration is interpreted as a disease-causing mutation.

CFTR-France
Classification: Pathogenic for cystic fibrosis. Last evaluated: 2018-01-29. Review status: criteria provided, single submitter. Criteria: Claustres M et al. (Hum Mutat 2017). Collection method: curation. Allele origin: germline. Affected: yes.

Counsyl
Classification: Uncertain significance for Cystic fibrosis. Last evaluated: 2017-11-20. Review status: no assertion criteria provided. Collection method: clinical testing. Allele origin: unknown. Not counted in ClinVar's aggregate classification.

ClinVar Staff, National Center for Biotechnology Information (NCBI)
No classification provided. Condition: CFTR-related disorders. Review status: no classification provided. Collection method: literature only. Allele origin: germline. Affected: yes. Not counted in ClinVar's aggregate classification.

Literature cited by the submitters: PubMed 20875776 (cited by 5 submitters); PubMed 23349053 (cited by 4 submitters); PubMed 27174726 (cited by Ambry Genetics).

NM_000492.4(CFTR):c.1585-9412A>G

Gene: CFTR (CF transmembrane conductance regulator; plus strand). Cytogenetic location: 7q31.2.
Variant type: single nucleotide variant.
Coding change: c.1585-9412A>G on transcript NM_000492.4 (MANE Select); 9412 bases into the intron before coding-DNA position 1585, A replaced by G.
Molecular consequence: intron variant.
Genome position (GRCh38, 1-based): chr7:117,578,327, A>G. VCF-style: chr7-117578327-A-G. GRCh37 (hg19) VCF-style: chr7-117218381-A-G.
Identifiers: ClinVar variation 53284 (VCV000053284.12), dbSNP rs397508229, ClinGen allele CA326536.